The following is an entry in ClinVar:

NM_003072.5(SMARCA4):c.2216C>G (p.Thr739Ser)

Gene: SMARCA4 (SWI/SNF related BAF chromatin remodeling complex subunit ATPase 4; plus strand). Cytogenetic location: 19p13.2.
Variant type: single nucleotide variant.
Coding change: c.2216C>G on transcript NM_003072.5 (MANE Select); coding-DNA position 2216, C replaced by G.
Protein change: p.Thr739Ser; replaces threonine 739 with serine.
Molecular consequence: missense variant. On other transcripts: non-coding transcript variant (1).
Genome position (GRCh38, 1-based): chr19:11,010,473, C>G. VCF-style: chr19-11010473-C-G. GRCh37 (hg19) VCF-style: chr19-11121149-C-G.
Other names: c.2216C>G, p.Thr739Ser (NM_001128844.3, NM_001128845.2, NM_001128846.2 and 4 more transcripts); short protein forms T739S.
Identifiers: ClinVar variation 857744 (VCV000857744.12), dbSNP rs2088718305, ClinGen allele CA404052850.

ClinVar aggregate classification (germline): Uncertain significance. Review status: criteria provided, multiple submitters, no conflicts (2 of 4 stars). 2 submissions from 2 submitters: Uncertain significance (2). Last evaluated 2025-09-08.

Conditions:
Hereditary cancer-predisposing syndrome. Also called: Tumor predisposition; Hereditary neoplastic syndrome; Neoplastic Syndromes, Hereditary; Hereditary Cancer Syndrome. Identifiers: Orphanet 140162, MedGen C0027672, MeSH D009386, MONDO:0015356.
Rhabdoid tumor predisposition syndrome 2 (RTPS2). Identifiers: Orphanet 231108, Orphanet 69077, MedGen C2750074, MONDO:0013224, OMIM 613325.

Submissions (2):

Labcorp Genetics (formerly Invitae), Labcorp
Classification: Uncertain significance for Rhabdoid tumor predisposition syndrome 2. Last evaluated: 2025-09-08. Review status: criteria provided, single submitter. Criteria: Invitae Variant Classification Sherloc (09022015). Collection method: clinical testing. Allele origin: germline.
Comment: This sequence change replaces threonine, which is neutral and polar, with serine, which is neutral and polar, at codon 739 of the SMARCA4 protein (p.Thr739Ser). This variant is not present in population databases (gnomAD no frequency). This variant has not been reported in the literature in individuals affected with SMARCA4-related conditions. ClinVar contains an entry for this variant (Variation ID: 857744). An algorithm developed to predict the effect of missense changes on protein structure and function (PolyPhen-2) suggests that this variant is likely to be tolerated. In summary, the available evidence is currently insufficient to determine the role of this variant in disease. Therefore, it has been classified as a Variant of Uncertain Significance.

Ambry Genetics
Classification: Uncertain significance for Hereditary cancer-predisposing syndrome. Last evaluated: 2025-02-21. Review status: criteria provided, single submitter. Criteria: Ambry Variant Classification Scheme 2023. Collection method: clinical testing. Allele origin: germline.
Comment: The p.T739S variant (also known as c.2216C>G), located in coding exon 14 of the SMARCA4 gene, results from a C to G substitution at nucleotide position 2216. The threonine at codon 739 is replaced by serine, an amino acid with similar properties. This amino acid position is highly conserved in available vertebrate species. In addition, the in silico prediction for this alteration is inconclusive. Based on the available evidence, the clinical significance of this variant remains unclear.